The following is an entry in ClinVar:

NM_003193.5(TBCE):c.1497G>A (p.Pro499=)

Genes: B3GALNT2 (beta-1,3-N-acetylgalactosaminyltransferase 2; minus strand), TBCE (tubulin folding cofactor E; plus strand). Cytogenetic location: 1q42.3.
Variant type: single nucleotide variant.
Coding change: c.1497G>A on transcript NM_003193.5 (MANE Select); coding-DNA position 1497, G replaced by A.
Protein change: p.Pro499=; no amino-acid change (proline 499 retained).
Molecular consequence: synonymous variant. On other transcripts: 3 prime UTR variant (1).
Genome position (GRCh38, 1-based): chr1:235,448,675, G>A. VCF-style: chr1-235448675-G-A. GRCh37 (hg19) VCF-style: chr1-235611990-G-A.
Other names: c.1650G>A (NM_001287801.1); c.*1531C>T (NM_152490.5); c.1497G>A, p.Pro499= (NM_001079515.3); c.1650G>A, p.Pro550= (NM_001287801.2); c.1158G>A, p.Pro386= (NM_001287802.2).
Identifiers: ClinVar variation 788385 (VCV000788385.12), dbSNP rs148233223, ClinGen allele CA1464521.

ClinVar aggregate classification (germline): Benign. Review status: criteria provided, multiple submitters, no conflicts (2 of 4 stars). 3 submissions from 3 submitters: Benign (2). 1 of the submissions does not count toward it. Last evaluated 2025-12-03.

Conditions:
TBCE-related disorder. Also called: TBCE-related disorders; TBCE-related condition.

Allele frequency attached by ClinVar (database versions not stated): TOPMed 0.00080; ESP Exome Variant Server 0.00108; 1000 Genomes Project 0.00200; 1000 Genomes Project 30x 0.00234; gnomAD exomes 0.00022; ExAC 0.00032; gnomAD 0.00070.
gnomAD v4.1: 280 of 1,613,568 alleles (0.017%); highest among the groups gnomAD compares: African/African-American, 0.23%; no homozygotes.

Submissions (4):

Labcorp Genetics (formerly Invitae), Labcorp
Classification: Benign. Last evaluated: 2025-12-03. Review status: criteria provided, single submitter. Criteria: Invitae Variant Classification Sherloc (09022015). Collection method: clinical testing. Allele origin: germline.

Breakthrough Genomics
Classification: Benign. Review status: criteria provided, single submitter. Criteria: ACMG Guidelines, 2015. Collection method: not provided. Allele origin: germline. Inheritance: Autosomal recessive inheritance. Affected: yes.

PreventionGenetics, part of Exact Sciences
Classification: Likely benign for TBCE-related condition. Last evaluated: 2024-03-20. Review status: no assertion criteria provided. Collection method: clinical testing. Allele origin: germline. Not counted in ClinVar's aggregate classification.
Comment: This variant is classified as likely benign based on ACMG/AMP sequence variant interpretation guidelines (Richards et al. 2015 PMID: 25741868, with internal and published modifications).

Dr. Peter K. Rogan Lab, Western University
No classification provided (evidence only). Condition: Malignant tumor of urinary bladder. Review status: no classification provided. Collection method: in vitro. Allele origin: not applicable. Functional consequence: retained intron. Not counted in ClinVar's aggregate classification.